The following is an entry in ClinVar:

NM_018297.4(NGLY1):c.362A>G (p.Lys121Arg)

Gene: NGLY1 (N-glycanase 1; minus strand). Cytogenetic location: 3p24.2.
Variant type: single nucleotide variant.
Coding change: c.362A>G on transcript NM_018297.4 (MANE Select); coding-DNA position 362, A replaced by G.
Protein change: p.Lys121Arg; replaces lysine 121 with arginine.
Molecular consequence: missense variant.
Genome position (GRCh38, 1-based): chr3:25,764,196, T>C on the plus strand (A>G on the coding strand, the complement: NGLY1 is on the minus strand). VCF-style: chr3-25764196-T-C. GRCh37 (hg19) VCF-style: chr3-25805687-T-C.
Other names: c.362A>G, p.Lys121Arg (NM_001145293.2, NM_001145295.2); c.236A>G, p.Lys79Arg (NM_001145294.2); short protein forms K79R, K121R.
Identifiers: ClinVar variation 862798 (VCV000862798.7), dbSNP rs1707449367, ClinGen allele CA351909087.

ClinVar aggregate classification (germline): Uncertain significance (1 of 4 stars; one submission).

Conditions:
Congenital disorder of deglycosylation (CDDG). Identifiers: MedGen C3808991, MONDO:0031376.

Allele frequency attached by ClinVar (database versions not stated): gnomAD exomes below 0.00001.
gnomAD v4.1: 1 of 1,614,172 alleles (0.000062%); highest among the groups gnomAD compares: Non-Finnish European, 0.000085%; no homozygotes.

Submission:

Labcorp Genetics (formerly Invitae), Labcorp
Classification: Uncertain significance for Congenital disorder of deglycosylation. Last evaluated: 2019-02-23. Review status: criteria provided, single submitter. Criteria: Invitae Variant Classification Sherloc (09022015). Collection method: clinical testing. Allele origin: germline.
Comment: In summary, the available evidence is currently insufficient to determine the role of this variant in disease. Therefore, it has been classified as a Variant of Uncertain Significance. Algorithms developed to predict the effect of missense changes on protein structure and function output the following: SIFT: "Tolerated"; PolyPhen-2: "Benign"; Align-GVGD: "Class C0". The arginine amino acid residue is found in multiple mammalian species, suggesting that this missense change does not adversely affect protein function. These predictions have not been confirmed by published functional studies and their clinical significance is uncertain. This variant has not been reported in the literature in individuals with NGLY1-related conditions. This variant is not present in population databases (ExAC no frequency). This sequence change replaces lysine with arginine at codon 121 of the NGLY1 protein (p.Lys121Arg). The lysine residue is weakly conserved and there is a small physicochemical difference between lysine and arginine.